The following is an entry in ClinVar:

ClinVar aggregate classification (germline): Conflicting classifications of pathogenicity. Review status: criteria provided, conflicting classifications (1 of 4 stars). 2 submissions from 2 submitters: Likely pathogenic (1); Uncertain significance (1). Last evaluated 2024-05-23.

Conditions:
Cardiovascular phenotype. Identifiers: MedGen CN230736.

Submissions (2):

Ambry Genetics
Classification: Likely pathogenic for Cardiovascular phenotype. Last evaluated: 2024-05-23. Review status: criteria provided, single submitter. Criteria: Ambry Variant Classification Scheme 2023. Collection method: clinical testing. Allele origin: germline.
Comment: The c.859-17_859-16delTAinsGTAGATCAGAAT intronic variant begins 17 nucleotides before coding exon 13 of the COL1A1 gene. This variant results from a deletion of 2 and insertion of 12 nucleotides at nucleotide positions c.859-17 to c.859-16. This variant was not reported in population-based cohorts in the Genome Aggregation Database (gnomAD). RNA studies have demonstrated that this alteration results in abnormal splicing in the set of samples tested (Ambry internal data). In silico splice site analysis predicts that this alteration will result in the creation or strengthening of a novel splice acceptor site. Based on the available evidence, this alteration is classified as likely pathogenic.

Athena Diagnostics
Classification: Uncertain significance. Last evaluated: 2023-10-20. Review status: criteria provided, single submitter. Criteria: Athena Diagnostics Criteria. Collection method: clinical testing. Allele origin: unknown.
Comment: Available data are insufficient to determine the clinical significance of the variant at this time. This variant has been identified in at least one individual with clinical features associated with this gene. This variant has not been reported in large, multi-ethnic general populations. Computational tools yielded predictions that this variant may result in the gain of a cryptic splice site without affecting the natural splice sites.

NM_000088.4(COL1A1):c.859-17_859-16delinsGTAGATCAGAAT

Genes: COL1A1 (collagen type I alpha 1 chain; minus strand), LOC126862586 (CDK7 strongly-dependent group 2 enhancer GRCh37_chr17:48273702-48274901; plus strand). Cytogenetic location: 17q21.33.
Variant type: Indel.
Coding change: c.859-17_859-16delinsGTAGATCAGAAT on transcript NM_000088.4 (MANE Select); 17 bases into the intron before coding-DNA position 859 through 16 bases into the intron before coding-DNA position 859, TA replaced by GTAGATCAGAAT.
Molecular consequence: intron variant.
Genome position (GRCh38, 1-based): chr17:50,196,544-50,196,545, TA replaced by ATTCTGATCTAC on the plus strand (TA replaced by GTAGATCAGAAT on the coding strand, the reverse complement: COL1A1 is on the minus strand). VCF-style: chr17-50196544-TA-ATTCTGATCTAC. GRCh37 (hg19) VCF-style: chr17-48273905-TA-ATTCTGATCTAC.
Other names: c.859-17_859-16delTAinsGTAGATCAGAAT (NM_000088.3).
Identifiers: ClinVar variation 447147 (VCV000447147.3), dbSNP rs1555574417, ClinGen allele CA658656719.